The following is an entry in ClinVar:

NM_000090.4(COL3A1):c.3996G>A (p.Met1332Ile)

Gene: COL3A1 (collagen type III alpha 1 chain; plus strand). Cytogenetic location: 2q32.2.
Variant type: single nucleotide variant.
Coding change: c.3996G>A on transcript NM_000090.4 (MANE Select); coding-DNA position 3996, G replaced by A.
Protein change: p.Met1332Ile; replaces methionine 1332 with isoleucine.
Molecular consequence: missense variant.
Genome position (GRCh38, 1-based): chr2:189,010,350, G>A. VCF-style: chr2-189010350-G-A. GRCh37 (hg19) VCF-style: chr2-189875076-G-A.
Other names: short protein forms M1332I.
Identifiers: ClinVar variation 2775162 (VCV002775162.2), dbSNP rs1298560479, ClinGen allele CA349848921.
Genomic context (GRCh38, chr2:189,010,350, plus strand): 5'-GAAACACTGGTGGACAGATTCTAGTGCTGAGAAGAAACACGTTTGGTTTGGAGAGTCCAT[G>A]GATGGTGGTTTTCAGGTAGGAAAGGATATACCTTTTTTTAAATAAGTCACCTCTATATCC-3'
Protein context (NP_000081.2, residues 1322-1342): EKKHVWFGES[Met1332Ile]DGGFQFSYGN

ClinVar aggregate classification (germline): Uncertain significance (1 of 4 stars; one submission).

Conditions:
Familial thoracic aortic aneurysm and aortic dissection (TAAD). Also called: Thoracic aortic aneurysms and dissections. Identifiers: Orphanet 91387, MedGen C4707243, MONDO:0019625.

Allele frequency attached by ClinVar (database versions not stated): gnomAD exomes below 0.00001.

Submission:

Color Diagnostics, LLC DBA Color Health
Classification: Uncertain significance for Familial thoracic aortic aneurysm and aortic dissection. Last evaluated: 2024-03-06. Review status: criteria provided, single submitter. Criteria: ACMG Guidelines, 2015. Collection method: clinical testing. Allele origin: germline.
Comment: This missense variant replaces methionine with isoleucine at codon 1332 of the COL3A1 protein. Computational prediction suggests that this variant may not impact protein structure and function (internally defined REVEL score threshold <= 0.5, PMID: 27666373). To our knowledge, functional studies have not been reported for this variant. This variant has not been reported in individuals affected with cardiovascular disorders in the literature. This variant has been identified in 1/251370 chromosomes in the general population by the Genome Aggregation Database (gnomAD). The available evidence is insufficient to determine the role of this variant in disease conclusively. Therefore, this variant is classified as a Variant of Uncertain Significance.